The following is an entry in ClinVar:

NM_016938.5(EFEMP2):c.248G>A (p.Arg83His)

Gene: EFEMP2 (EGF-like fibulin extracellular matrix protein 2; minus strand). Cytogenetic location: 11q13.1.
Variant type: single nucleotide variant.
Coding change: c.248G>A on transcript NM_016938.5 (MANE Select); coding-DNA position 248, G replaced by A.
Protein change: p.Arg83His; replaces arginine 83 with histidine.
Molecular consequence: missense variant. On other transcripts: non-coding transcript variant (1).
Genome position (GRCh38, 1-based): chr11:65,871,276, C>T on the plus strand (G>A on the coding strand, the complement: EFEMP2 is on the minus strand). VCF-style: chr11-65871276-C-T. GRCh37 (hg19) VCF-style: chr11-65638747-C-T.
Other names: short protein forms R83H.
Identifiers: ClinVar variation 1036606 (VCV001036606.6), dbSNP rs1281626120, ClinGen allele CA381310041.

ClinVar aggregate classification (germline): Uncertain significance (1 of 4 stars; one submission).

Conditions:
Cutis laxa, autosomal recessive, type 1B (ARCL1B). Also called: EFEMP2-Related Cutis Laxa; CUTIS LAXA, AUTOSOMAL RECESSIVE, TYPE IB. Identifiers: Orphanet 90349, MedGen C3280798, MONDO:0013754, OMIM 614437. Disease mechanism: loss of function.

Allele frequency attached by ClinVar (database versions not stated): gnomAD exomes 0.00001; TOPMed 0.00001.
gnomAD v4.1: 21 of 1,614,048 alleles (0.0013%); highest among the groups gnomAD compares: Non-Finnish European, 0.0018%; no homozygotes.

Submission:

Labcorp Genetics (formerly Invitae), Labcorp
Classification: Uncertain significance for Cutis laxa, autosomal recessive, type 1B. Last evaluated: 2022-06-28. Review status: criteria provided, single submitter. Criteria: Invitae Variant Classification Sherloc (09022015). Collection method: clinical testing. Allele origin: germline.
Comment: In summary, the available evidence is currently insufficient to determine the role of this variant in disease. Therefore, it has been classified as a Variant of Uncertain Significance. Algorithms developed to predict the effect of missense changes on protein structure and function are either unavailable or do not agree on the potential impact of this missense change (SIFT: "Deleterious"; PolyPhen-2: "Possibly Damaging"; Align-GVGD: "Class C0"). ClinVar contains an entry for this variant (Variation ID: 1036606). This variant has not been reported in the literature in individuals affected with EFEMP2-related conditions. This variant is not present in population databases (gnomAD no frequency). This sequence change replaces arginine, which is basic and polar, with histidine, which is basic and polar, at codon 83 of the EFEMP2 protein (p.Arg83His).